The following is an entry in ClinVar:

ClinVar aggregate classification (germline): Uncertain significance (1 of 4 stars; one submission).

Allele frequency attached by ClinVar (database versions not stated): gnomAD exomes below 0.00001; TOPMed below 0.00001; gnomAD 0.00001.

Submission:

Women's Health and Genetics/Laboratory Corporation of America, LabCorp
Classification: Uncertain significance. Last evaluated: 2024-04-22. Review status: criteria provided, single submitter. Criteria: LabCorp Variant Classification Summary - May 2015. Collection method: clinical testing. Allele origin: germline.
Comment: Variant summary: LMBRD2 c.319A>G (p.Met107Val) results in a conservative amino acid change in the encoded protein sequence. Three of five in-silico tools predict a benign effect of the variant on protein function. The variant allele was found at a frequency of 4e-06 in 250606 control chromosomes. The available data on variant occurrences in the general population are insufficient to allow any conclusion about variant significance. To our knowledge, no occurrence of c.319A>G in individuals affected with Developmental Delay With Variable Neurologic And Brain Abnormalities and no experimental evidence demonstrating its impact on protein function have been reported. No submitters have cited clinical-significance assessments for this variant to ClinVar. Based on the evidence outlined above, the variant was classified as uncertain significance.

NM_001007527.2(LMBRD2):c.319A>G (p.Met107Val)

Gene: LMBRD2 (LMBR1 domain containing 2; minus strand). Cytogenetic location: 5p13.2.
Variant type: single nucleotide variant.
Coding change: c.319A>G on transcript NM_001007527.2 (MANE Select); coding-DNA position 319, A replaced by G.
Protein change: p.Met107Val; replaces methionine 107 with valine.
Molecular consequence: missense variant.
Genome position (GRCh38, 1-based): chr5:36,141,156, T>C on the plus strand (A>G on the coding strand, the complement: LMBRD2 is on the minus strand). VCF-style: chr5-36141156-T-C. GRCh37 (hg19) VCF-style: chr5-36141258-T-C.
Other names: short protein forms M107V.
Identifiers: ClinVar variation 3251795 (VCV003251795.1), dbSNP rs1288488728.